The following is an entry in ClinVar:

ClinVar aggregate classification (germline): Uncertain significance (1 of 4 stars; one submission).

gnomAD v4.1: 1 of 1,612,812 alleles (0.000062%); highest among the groups gnomAD compares: Non-Finnish European, 0.000085%; no homozygotes.

Submission:

Labcorp Genetics (formerly Invitae), Labcorp
Classification: Uncertain significance. Last evaluated: 2024-04-29. Review status: criteria provided, single submitter. Criteria: Invitae Variant Classification Sherloc (09022015). Collection method: clinical testing. Allele origin: germline.
Comment: This sequence change replaces alanine, which is neutral and non-polar, with glutamic acid, which is acidic and polar, at codon 460 of the CACNA2D4 protein (p.Ala460Glu). This variant is not present in population databases (gnomAD no frequency). This variant has not been reported in the literature in individuals affected with CACNA2D4-related conditions. ClinVar contains an entry for this variant (Variation ID: 1396692). An algorithm developed to predict the effect of missense changes on protein structure and function (PolyPhen-2) suggests that this variant is likely to be disruptive. In summary, the available evidence is currently insufficient to determine the role of this variant in disease. Therefore, it has been classified as a Variant of Uncertain Significance.

NM_172364.5(CACNA2D4):c.1379C>A (p.Ala460Glu)

Gene: CACNA2D4 (calcium voltage-gated channel auxiliary subunit alpha2delta 4; minus strand). Cytogenetic location: 12p13.33.
Variant type: single nucleotide variant.
Coding change: c.1379C>A on transcript NM_172364.5 (MANE Select); coding-DNA position 1379, C replaced by A.
Protein change: p.Ala460Glu; replaces alanine 460 with glutamic acid.
Molecular consequence: missense variant.
Genome position (GRCh38, 1-based): chr12:1,882,973, G>T on the plus strand (C>A on the coding strand, the complement: CACNA2D4 is on the minus strand). VCF-style: chr12-1882973-G-T. GRCh37 (hg19) VCF-style: chr12-1992139-G-T.
Other names: short protein forms A460E.
Identifiers: ClinVar variation 1396692 (VCV001396692.6), dbSNP rs1173208667, ClinGen allele CA383356433.